The following is an entry in ClinVar:

NM_004655.4(AXIN2):c.902A>T (p.Glu301Val)

Gene: AXIN2 (axin 2; minus strand). Cytogenetic location: 17q24.1.
Variant type: single nucleotide variant.
Coding change: c.902A>T on transcript NM_004655.4 (MANE Select); coding-DNA position 902, A replaced by T.
Protein change: p.Glu301Val; replaces glutamic acid 301 with valine.
Molecular consequence: missense variant.
Genome position (GRCh38, 1-based): chr17:65,549,574, T>A on the plus strand (A>T on the coding strand, the complement: AXIN2 is on the minus strand). VCF-style: chr17-65549574-T-A. GRCh37 (hg19) VCF-style: chr17-63545692-T-A.
Other names: c.902A>T, p.Glu301Val (NM_001363813.1); short protein forms E301V.
Identifiers: ClinVar variation 2000081 (VCV002000081.5), dbSNP rs1567763512, ClinGen allele CA400679533.

ClinVar aggregate classification (germline): Uncertain significance. Review status: criteria provided, multiple submitters, no conflicts (2 of 4 stars). 2 submissions from 2 submitters: Uncertain significance (2). Last evaluated 2024-06-11.

Conditions:
Hereditary cancer-predisposing syndrome. Also called: Neoplastic Syndromes, Hereditary; Hereditary neoplastic syndrome; Tumor predisposition; Hereditary Cancer Syndrome. Identifiers: Orphanet 140162, MedGen C0027672, MeSH D009386, MONDO:0015356.
Oligodontia-cancer predisposition syndrome. Also called: TOOTH AGENESIS-COLORECTAL CANCER SYNDROME. Identifiers: Orphanet 300576, MedGen C1837750, MONDO:0012075, OMIM 608615. Disease mechanism: loss of function.

Submissions (2):

Ambry Genetics
Classification: Uncertain significance for Hereditary cancer-predisposing syndrome. Last evaluated: 2024-06-11. Review status: criteria provided, single submitter. Criteria: Ambry Variant Classification Scheme 2023. Collection method: clinical testing. Allele origin: germline.
Comment: The p.E301V variant (also known as c.902A>T), located in coding exon 2 of the AXIN2 gene, results from an A to T substitution at nucleotide position 902. The glutamic acid at codon 301 is replaced by valine, an amino acid with dissimilar properties. This amino acid position is highly conserved in available vertebrate species. In addition, this alteration is predicted to be deleterious by in silico analysis. Based on the available evidence, the clinical significance of this variant remains unclear.

Labcorp Genetics (formerly Invitae), Labcorp
Classification: Uncertain significance for Oligodontia-cancer predisposition syndrome. Last evaluated: 2022-06-08. Review status: criteria provided, single submitter. Criteria: Invitae Variant Classification Sherloc (09022015). Collection method: clinical testing. Allele origin: germline.
Comment: This sequence change replaces glutamic acid, which is acidic and polar, with valine, which is neutral and non-polar, at codon 301 of the AXIN2 protein (p.Glu301Val). In summary, the available evidence is currently insufficient to determine the role of this variant in disease. Therefore, it has been classified as a Variant of Uncertain Significance. Algorithms developed to predict the effect of missense changes on protein structure and function are either unavailable or do not agree on the potential impact of this missense change (SIFT: "Deleterious"; PolyPhen-2: "Probably Damaging"; Align-GVGD: "Class C15"). This variant has not been reported in the literature in individuals affected with AXIN2-related conditions. This variant is not present in population databases (gnomAD no frequency).